The following is an entry in ClinVar:

ClinVar aggregate classification (germline): Uncertain significance. Review status: criteria provided, multiple submitters, no conflicts (2 of 4 stars). 2 submissions from 2 submitters: Uncertain significance (2). Last evaluated 2024-05-30.

Conditions:
Epileptic encephalopathy. Identifiers: MedGen C0543888, HP:0200134.

Allele frequency attached by ClinVar (database versions not stated): gnomAD 0.00001; gnomAD exomes 0.00001; TOPMed 0.00005.
gnomAD v4.1: 13 of 1,613,832 alleles (0.00081%); highest among the groups gnomAD compares: Admixed American, 0.005%; no homozygotes.

Submissions (2):

Ambry Genetics
Classification: Uncertain significance. Last evaluated: 2024-05-30. Review status: criteria provided, single submitter. Criteria: Ambry Variant Classification Scheme 2023. Collection method: clinical testing. Allele origin: germline.

Labcorp Genetics (formerly Invitae), Labcorp
Classification: Uncertain significance for Epileptic encephalopathy. Last evaluated: 2022-08-31. Review status: criteria provided, single submitter. Criteria: Invitae Variant Classification Sherloc (09022015). Collection method: clinical testing. Allele origin: germline.
Comment: In summary, the available evidence is currently insufficient to determine the role of this variant in disease. Therefore, it has been classified as a Variant of Uncertain Significance. Algorithms developed to predict the effect of sequence changes on RNA splicing suggest that this variant may create or strengthen a splice site. Algorithms developed to predict the effect of missense changes on protein structure and function (SIFT, PolyPhen-2, Align-GVGD) all suggest that this variant is likely to be disruptive. ClinVar contains an entry for this variant (Variation ID: 834814). This variant has not been reported in the literature in individuals affected with RYR3-related conditions. This variant is present in population databases (no rsID available, gnomAD 0.009%). This sequence change replaces arginine, which is basic and polar, with glutamine, which is neutral and polar, at codon 1075 of the RYR3 protein (p.Arg1075Gln).

NM_001036.6(RYR3):c.3224G>A (p.Arg1075Gln)

Gene: RYR3 (ryanodine receptor 3; plus strand). Cytogenetic location: 15q14.
Variant type: single nucleotide variant.
Coding change: c.3224G>A on transcript NM_001036.6 (MANE Select); coding-DNA position 3224, G replaced by A.
Protein change: p.Arg1075Gln; replaces arginine 1075 with glutamine.
Molecular consequence: missense variant.
Genome position (GRCh38, 1-based): chr15:33,635,662, G>A. VCF-style: chr15-33635662-G-A. GRCh37 (hg19) VCF-style: chr15-33927863-G-A.
Other names: c.3224G>A, p.Arg1075Gln (NM_001243996.4); c.3224G>A (NM_001036.3); short protein forms R1075Q.
Identifiers: ClinVar variation 834814 (VCV000834814.10), dbSNP rs944419972, ClinGen allele CA268576387.